The following is an entry in ClinVar:

NM_021072.4(HCN1):c.2564G>A (p.Gly855Glu)

Gene: HCN1 (hyperpolarization activated cyclic nucleotide gated potassium channel 1; minus strand). Cytogenetic location: 5p12.
Variant type: single nucleotide variant.
Coding change: c.2564G>A on transcript NM_021072.4 (MANE Select); coding-DNA position 2564, G replaced by A.
Protein change: p.Gly855Glu; replaces glycine 855 with glutamic acid.
Molecular consequence: missense variant.
Genome position (GRCh38, 1-based): chr5:45,262,030, C>T on the plus strand (G>A on the coding strand, the complement: HCN1 is on the minus strand). VCF-style: chr5-45262030-C-T. GRCh37 (hg19) VCF-style: chr5-45262132-C-T.
Other names: short protein forms G855E.
Identifiers: ClinVar variation 839464 (VCV000839464.8), dbSNP rs755932633, ClinGen allele CA359703094.

ClinVar aggregate classification (germline): Uncertain significance (1 of 4 stars; one submission).

Conditions:
Early-infantile DEE. Also called: Ohtahara syndrome; Early infantile epileptic encephalopathy with suppression bursts; Early infantile epileptic encephalopathy. Identifiers: Orphanet 1934, MedGen C0393706, MONDO:0800491.

Allele frequency attached by ClinVar (database versions not stated): TOPMed below 0.00001.
gnomAD v4.1: 3 of 1,613,986 alleles (0.00019%); highest among the groups gnomAD compares: African/African-American, 0.0027%; no homozygotes.

Submission:

Labcorp Genetics (formerly Invitae), Labcorp
Classification: Uncertain significance for Early-infantile DEE. Last evaluated: 2024-02-27. Review status: criteria provided, single submitter. Criteria: Invitae Variant Classification Sherloc (09022015). Collection method: clinical testing. Allele origin: germline.
Comment: This sequence change replaces glycine, which is neutral and non-polar, with glutamic acid, which is acidic and polar, at codon 855 of the HCN1 protein (p.Gly855Glu). This variant is not present in population databases (gnomAD no frequency). This variant has not been reported in the literature in individuals affected with HCN1-related conditions. ClinVar contains an entry for this variant (Variation ID: 839464). Advanced modeling of protein sequence and biophysical properties (such as structural, functional, and spatial information, amino acid conservation, physicochemical variation, residue mobility, and thermodynamic stability) performed at Invitae indicates that this missense variant is not expected to disrupt HCN1 protein function with a negative predictive value of 95%. In summary, the available evidence is currently insufficient to determine the role of this variant in disease. Therefore, it has been classified as a Variant of Uncertain Significance.